The following is an entry in ClinVar:

ClinVar aggregate classification (germline): Uncertain significance (1 of 4 stars; one submission).

Allele frequency attached by ClinVar (database versions not stated): TOPMed 0.00001; gnomAD exomes 0.00003.
gnomAD v4.1: 30 of 1,613,474 alleles (0.0019%); highest among the groups gnomAD compares: African/African-American, 0.0027%; no homozygotes.

Submission:

Labcorp Genetics (formerly Invitae), Labcorp
Classification: Uncertain significance. Last evaluated: 2022-01-14. Review status: criteria provided, single submitter. Criteria: Invitae Variant Classification Sherloc (09022015). Collection method: clinical testing. Allele origin: germline.
Comment: This variant has not been reported in the literature in individuals affected with ATOH7-related conditions. ClinVar contains an entry for this variant (Variation ID: 862965). Experimental studies and prediction algorithms are not available or were not evaluated, and the functional significance of this variant is currently unknown. In summary, the available evidence is currently insufficient to determine the role of this variant in disease. Therefore, it has been classified as a Variant of Uncertain Significance. This variant is not present in population databases (gnomAD no frequency). This sequence change creates a premature translational stop signal (p.Trp108*) in the ATOH7 gene. While this is not anticipated to result in nonsense mediated decay, it is expected to disrupt the last 45 amino acid(s) of the ATOH7 protein.

NM_145178.4(ATOH7):c.324G>A (p.Trp108Ter)

Gene: ATOH7 (atonal bHLH transcription factor 7; minus strand). Cytogenetic location: 10q21.3.
Variant type: single nucleotide variant.
Coding change: c.324G>A on transcript NM_145178.4 (MANE Select); coding-DNA position 324, G replaced by A.
Protein change: p.Trp108Ter; replaces tryptophan 108 with a stop codon.
Molecular consequence: nonsense.
Genome position (GRCh38, 1-based): chr10:68,231,354, C>T on the plus strand (G>A on the coding strand, the complement: ATOH7 is on the minus strand). VCF-style: chr10-68231354-C-T. GRCh37 (hg19) VCF-style: chr10-69991111-C-T.
Other names: short protein forms W108*.
Identifiers: ClinVar variation 862965 (VCV000862965.6), dbSNP rs1262938682, ClinGen allele CA376835609.
Genomic context (GRCh38, chr10:68,231,354, plus strand): 5'-CTTCGCGCCCGGGAACGGGAGGTAGTGGTCGCGGCCGAAGTGCTCACAGTGGAGACCCAC[C>T]CAGTCCCGCTCCGAGCCGAATCGCTCGGCCTCGGCCAGGATCCGGGTCAGAGCCATGATG-3'